The following is an entry in ClinVar:

ClinVar aggregate classification (germline): Uncertain significance (1 of 4 stars; one submission).

Conditions:
MRAP2-related disorder. Also called: MRAP2-related condition.

Submission:

PreventionGenetics, part of Exact Sciences
Classification: Uncertain significance for MRAP2-related condition. Last evaluated: 2026-04-16. Review status: criteria provided, single submitter. Criteria: ACMG Guidelines, 2015. Collection method: clinical testing. Allele origin: germline.
Comment: The MRAP2 c.468G>C variant is predicted to result in the amino acid substitution p.Glu156Asp. To our knowledge, this variant has not been reported in the literature or in a large population database (gnomAD), indicating this variant is rare. At this time, the clinical significance of this variant is uncertain due to the absence of conclusive functional and genetic evidence.

NM_138409.4(MRAP2):c.468G>C (p.Glu156Asp)

Gene: MRAP2 (melanocortin 2 receptor accessory protein 2; plus strand). Cytogenetic location: 6q14.2.
Variant type: single nucleotide variant.
Coding change: c.468G>C on transcript NM_138409.4 (MANE Select); coding-DNA position 468, G replaced by C.
Protein change: p.Glu156Asp; replaces glutamic acid 156 with aspartic acid.
Molecular consequence: missense variant.
Genome position (GRCh38, 1-based): chr6:84,089,331, G>C. VCF-style: chr6-84089331-G-C. GRCh37 (hg19) VCF-style: chr6-84799050-G-C.
Other names: c.210G>C, p.Glu70Asp (NM_001346541.2); c.468G>C, p.Glu156Asp (NM_001346542.2, NM_001346544.2); c.303G>C, p.Glu101Asp (NM_001346543.2); short protein forms E70D, E156D, E101D.
Identifiers: ClinVar variation 4991997 (VCV004991997.1).